The following is an entry in ClinVar:

NM_001875.5(CPS1):c.3631C>T (p.Pro1211Ser)

Gene: CPS1 (carbamoyl-phosphate synthase 1; plus strand). Cytogenetic location: 2q34.
Variant type: single nucleotide variant.
Coding change: c.3631C>T on transcript NM_001875.5 (MANE Select); coding-DNA position 3631, C replaced by T.
Protein change: p.Pro1211Ser; replaces proline 1211 with serine.
Molecular consequence: missense variant. On other transcripts: non-coding transcript variant (2).
Genome position (GRCh38, 1-based): chr2:210,656,597, C>T. VCF-style: chr2-210656597-C-T. GRCh37 (hg19) VCF-style: chr2-211521321-C-T.
Other names: c.3631C>T, p.Pro1211Ser (NM_001122633.3, NM_001369257.1); c.3664C>T, p.Pro1222Ser (NM_001369256.1); short protein forms P1211S, P1222S.
Identifiers: ClinVar variation 3775384 (VCV003775384.3).
Genomic context (GRCh38, chr2:210,656,597, plus strand): 5'-GCCATCTCTGAACATGTTGAAGATGCAGGTGTCCACTCGGGAGATGCCACTCTGATGCTG[C>T]CCACACAAACCATCAGCCAAGGGGCCATTGAAAAGGTCATCATTTATAAATAAAAGTGGA-3'
Protein context (NP_001866.2, residues 1201-1221): VHSGDATLML[Pro1211Ser]TQTISQGAIE

ClinVar aggregate classification (germline): Uncertain significance. Review status: criteria provided, single submitter (1 of 4 stars). 2 submissions from 2 submitters: Uncertain significance (1). 1 of the submissions does not count toward it. Last evaluated 2024-07-05.

Conditions:
Congenital hyperammonemia, type I. Also called: Carbamoyl phosphate synthetase 1 deficiency; Hyperammonemia due to carbamoyl phosphate synthetase 1 deficiency; CPS 1 deficiency; Carbamyl phosphate synthetase (CPS) deficiency; Carbamoyl phosphate synthetase I deficiency disease; CPS I DEFICIENCY. Identifiers: Orphanet 147, MedGen C4082171, MONDO:0009376, OMIM 237300.

Submissions (2):

3billion
Classification: Uncertain significance for Congenital hyperammonemia, type I. Last evaluated: 2024-07-05. Review status: criteria provided, single submitter. Criteria: ACMG Guidelines, 2015. Collection method: clinical testing. Allele origin: germline. Affected: yes.
Comment: The variant is not observed in the gnomAD v4.0.0 dataset. Predicted Consequence/Location: The majority of the known disease-causing variants of this gene are variants expected to result in premature termination of the protein. In silico tool predictions suggest damaging effect of the variant on gene or gene product [REVEL: 0.97 (>=0.6, sensitivity 0.68 and specificity 0.92); 3Cnet: 0.98 (>=0.6, sensitivity 0.72 and precision 0.9)]. A different missense change at the same codon (p.Pro1211Arg) has been reported to be associated with CPS1 related disorder (PMID: 31392111). However the evidence of pathogenicity is insufficient at this time. Therefore, this variant is classified as VUS according to the recommendation of ACMG/AMP guideline.

Natera, Inc.
Classification: Uncertain significance for Carbamoyl-phosphate synthase I deficiency. Last evaluated: 2025-02-19. Review status: no assertion criteria provided. Collection method: clinical testing. Allele origin: germline. Not counted in ClinVar's aggregate classification.

Literature cited by the submitters: PubMed 31392111 (cited by 3billion).